The following is an entry in ClinVar:

ClinVar aggregate classification (germline): Benign. Review status: criteria provided, multiple submitters, no conflicts (2 of 4 stars). 3 submissions from 3 submitters: Benign (3). Last evaluated 2018-06-28.

Conditions:
Megaconial type congenital muscular dystrophy (MDCMC). Also called: MUSCULAR DYSTROPHY, CONGENITAL, WITH MITOCHONDRIAL STRUCTURAL ABNORMALITIES; CHKB-Related Muscle Diseases; CHKB-Related Muscular Dystrophy. Identifiers: Orphanet 280671, MedGen C1865233, MONDO:0011246, OMIM 602541.

Allele frequency attached by ClinVar (database versions not stated): gnomAD exomes 0.09412; gnomAD 0.09626 and 0.10196; TOPMed 0.10871; 1000 Genomes Project 30x 0.18129; 1000 Genomes Project 0.18730.

Submissions (3):

GeneDx
Classification: Benign. Last evaluated: 2018-06-28. Review status: criteria provided, single submitter. Criteria: GeneDx Variant Classification Process June 2021. Collection method: clinical testing. Allele origin: germline. Affected: yes.

Illumina Laboratory Services, Illumina
Classification: Benign for Megaconial type congenital muscular dystrophy. Last evaluated: 2018-01-13. Review status: criteria provided, single submitter. Criteria: ICSL Variant Classification Criteria 13 December 2019. Collection method: clinical testing. Allele origin: germline.
Comment: This variant was observed in the ICSL laboratory as part of a predisposition screen in an ostensibly healthy population. It had not been previously curated by ICSL or reported in the Human Gene Mutation Database (HGMD: prior to June 1st, 2018), and was therefore a candidate for classification through an automated scoring system. Utilizing variant allele frequency, disease prevalence and penetrance estimates, and inheritance mode, an automated score was calculated to assess if this variant is too frequent to cause the disease. Based on the score and internal cut-off values, a variant classified as benign is not then subjected to further curation. The score for this variant resulted in a classification of benign for this disease.

Breakthrough Genomics
Classification: Benign. Review status: criteria provided, single submitter. Criteria: ACMG Guidelines, 2015. Collection method: not provided. Allele origin: germline. Inheritance: Autosomal recessive inheritance. Affected: yes.

NM_005198.5(CHKB):c.*216C>G

Genes: CHKB (choline kinase beta; minus strand), CHKB-CPT1B (CHKB-CPT1B readthrough (NMD candidate); minus strand). Cytogenetic location: 22q13.33.
Variant type: single nucleotide variant.
Coding change: c.*216C>G on transcript NM_005198.5 (MANE Select); 216 bases downstream of the stop codon, C replaced by G.
Molecular consequence: 3 prime UTR variant.
Genome position (GRCh38, 1-based): chr22:50,578,965, G>C on the plus strand (C>G on the coding strand, the complement: CHKB is on the minus strand). VCF-style: chr22-50578965-G-C. GRCh37 (hg19) VCF-style: chr22-51017394-G-C.
Identifiers: ClinVar variation 342160 (VCV000342160.8), dbSNP rs3180872, ClinGen allele CA10645775.